The following is an entry in ClinVar:

ClinVar aggregate classification (germline): Uncertain significance (1 of 4 stars; one submission).

Conditions:
Renal cell carcinoma. Identifiers: Orphanet 217071, MedGen C0007134, MeSH D002292, MONDO:0005086, HP:0005584.

Allele frequency attached by ClinVar (database versions not stated): TOPMed below 0.00001.

Submission:

Labcorp Genetics (formerly Invitae), Labcorp
Classification: Uncertain significance for Renal cell carcinoma. Last evaluated: 2022-03-08. Review status: criteria provided, single submitter. Criteria: Invitae Variant Classification Sherloc (09022015). Collection method: clinical testing. Allele origin: germline.
Comment: This sequence change replaces lysine, which is basic and polar, with threonine, which is neutral and polar, at codon 600 of the MET protein (p.Lys600Thr). This variant is not present in population databases (gnomAD no frequency). This variant has not been reported in the literature in individuals affected with MET-related conditions. Algorithms developed to predict the effect of missense changes on protein structure and function are either unavailable or do not agree on the potential impact of this missense change (SIFT: "Tolerated"; PolyPhen-2: "Possibly Damaging"; Align-GVGD: "Class C0"). In summary, the available evidence is currently insufficient to determine the role of this variant in disease. Therefore, it has been classified as a Variant of Uncertain Significance.

NM_000245.4(MET):c.1799A>C (p.Lys600Thr)

Gene: MET (MET proto-oncogene, receptor tyrosine kinase; plus strand). Cytogenetic location: 7q31.2.
Variant type: single nucleotide variant.
Coding change: c.1799A>C on transcript NM_000245.4 (MANE Select); coding-DNA position 1799, A replaced by C.
Protein change: p.Lys600Thr; replaces lysine 600 with threonine.
Molecular consequence: missense variant.
Genome position (GRCh38, 1-based): chr7:116,755,452, A>C. VCF-style: chr7-116755452-A-C. GRCh37 (hg19) VCF-style: chr7-116395506-A-C.
Other names: c.1799A>C, p.Lys600Thr (NM_001127500.3, NM_001324401.3); c.509A>C, p.Lys170Thr (NM_001324402.2); short protein forms K170T, K600T.
Identifiers: ClinVar variation 2417938 (VCV002417938.6), dbSNP rs1794142770, ClinGen allele CA368977991.